The following is an entry in ClinVar:

ClinVar aggregate classification (germline): Uncertain significance (1 of 4 stars; one submission).

Allele frequency attached by ClinVar (database versions not stated): gnomAD exomes 0.00001; ExAC 0.00002; 1000 Genomes Project 30x 0.00016; 1000 Genomes Project 0.00020.

Submission:

Labcorp Genetics (formerly Invitae), Labcorp
Classification: Uncertain significance. Last evaluated: 2025-12-26. Review status: criteria provided, single submitter. Criteria: Invitae Variant Classification Sherloc (09022015). Collection method: clinical testing. Allele origin: germline.
Comment: This sequence change falls in intron 21 of the CLCN7 gene. It does not directly change the encoded amino acid sequence of the CLCN7 protein. It affects a nucleotide within the consensus splice site. This variant is present in population databases (rs200306235, gnomAD 0.007%). This variant has not been reported in the literature in individuals affected with CLCN7-related conditions. ClinVar contains an entry for this variant (Variation ID: 1467532). Variants that disrupt the consensus splice site are a relatively common cause of aberrant splicing (PMID: 17576681, 9536098). Algorithms developed to predict the effect of sequence changes on RNA splicing suggest that this variant is not likely to affect RNA splicing. In summary, the available evidence is currently insufficient to determine the role of this variant in disease. Therefore, it has been classified as a Variant of Uncertain Significance.

Literature cited by the submitters: PubMed 17576681; PubMed 9536098.

NM_001287.6(CLCN7):c.2013+6G>A

Gene: CLCN7 (chloride voltage-gated channel 7; minus strand). Cytogenetic location: 16p13.3.
Variant type: single nucleotide variant.
Coding change: c.2013+6G>A on transcript NM_001287.6 (MANE Select); 6 bases into the intron after coding-DNA position 2013, G replaced by A.
Molecular consequence: intron variant.
Genome position (GRCh38, 1-based): chr16:1,448,349, C>T on the plus strand (G>A on the coding strand, the complement: CLCN7 is on the minus strand). VCF-style: chr16-1448349-C-T. GRCh37 (hg19) VCF-style: chr16-1498350-C-T.
Other names: c.1941+6G>A (NM_001114331.3).
Identifiers: ClinVar variation 1467532 (VCV001467532.6), dbSNP rs200306235, ClinGen allele CA7809958.